The following is an entry in ClinVar:

NC_012920.1(MT-ND1):m.3388C>A

Gene: MT-ND1 (mitochondrially encoded NADH dehydrogenase 1; plus strand).
Variant type: single nucleotide variant.
Genome position: chrM-3388-C-A.
Other names: 3388C-A.
Identifiers: ClinVar variation 29998 (VCV000029998.4), dbSNP rs387906730, ClinGen allele CA259736.
Genomic context (GRCh38, chrMT:3,388, plus strand): 5'-CTCCTCATTGTACCCATTCTAATCGCAATGGCATTCCTAATGCTTACCGAACGAAAAATT[C>A]TAGGCTATATACAACTACGCAAAGGCCCCAACGTTGTAGGCCCCTACGGGCTACTACAAC-3'

ClinVar aggregate classification (germline): Benign. Review status: criteria provided, multiple submitters, no conflicts (2 of 4 stars). 4 submissions from 4 submitters: Benign (2). 2 of the submissions do not count toward it. Last evaluated 2019-10-17.

Conditions:
Optic atrophy. Identifiers: MedGen C0029124, MONDO:0003608, HP:0000648.
Mitochondrial non-syndromic sensorineural hearing loss. Also called: Nonsyndromic Hearing Loss and Deafness, Mitochondrial. Identifiers: Orphanet 90641, MedGen C3151897, MONDO:0010779, OMIM 500008.
Leigh syndrome (NULS). Also called: Leigh's syndrome; LEIGH SYNDROME, NUCLEAR; Subacute necrotizing encephalopathy; Necrotizing encephalopathy infantile subacute of Leigh; Leigh Syndrome (mtDNA deletion); Leigh Disease. Identifiers: Orphanet 506, MedGen C2931891, MONDO:0009723, OMIM 256000.

Submissions (4):

Wong Mito Lab, Molecular and Human Genetics, Baylor College of Medicine
Classification: Benign for Leigh syndrome. Last evaluated: 2019-10-17. Review status: criteria provided, single submitter. Criteria: Modified ACMG Guidelines (Unpublished). Collection method: clinical testing. Allele origin: germline.
Comment: The NC_012920.1:m.3388C>A (YP_003024026.1:p.Leu28Met) variant in MTND1 gene is interpretated to be a Benign variant based on the modified ACMG guidelines (unpublished). This variant meets the following evidence codes: BS1, BS4

Breakthrough Genomics
Classification: Benign. Review status: criteria provided, single submitter. Criteria: ACMG Guidelines, 2015. Collection method: not provided. Allele origin: germline. Inheritance: Unknown mechanism. Affected: yes.

OMIM
Classification: Pathogenic for DEAFNESS, NONSYNDROMIC SENSORINEURAL, MITOCHONDRIAL. Last evaluated: 2012-04-01. Review status: no assertion criteria provided. Collection method: literature only. Allele origin: germline. Not counted in ClinVar's aggregate classification.

Institute of Human Genetics, Univ. Regensburg, Univ. Regensburg
Classification: Uncertain significance for Optic atrophy. Last evaluated: 2010-01-01. Review status: no assertion criteria provided. Criteria: ACMG Guidelines, 2015. Collection method: clinical testing. Allele origin: germline. Affected: yes. Not counted in ClinVar's aggregate classification.

Literature cited by the submitters: PubMed 22241583 (cited by Wong Mito Lab, Molecular and Human Genetics, Baylor College of Medicine and OMIM); PubMed 17637808 (cited by OMIM).